The following is an entry in ClinVar:

ClinVar aggregate classification (germline): Uncertain significance. Review status: criteria provided, multiple submitters, no conflicts (2 of 4 stars). 2 submissions from 2 submitters: Uncertain significance (2). Last evaluated 2024-08-16.

Allele frequency attached by ClinVar (database versions not stated): 1000 Genomes Project 30x 0.00016; 1000 Genomes Project 0.00020.
gnomAD v4.1: 16 of 1,613,824 alleles (0.00099%); highest among the groups gnomAD compares: Middle Eastern, 0.016%; no homozygotes.

Submissions (2):

Blueprint Genetics
Classification: Uncertain significance. Last evaluated: 2024-08-16. Review status: criteria provided, single submitter. Criteria: ACMG Guidelines, 2015. Collection method: clinical testing. Allele origin: germline.

Labcorp Genetics (formerly Invitae), Labcorp
Classification: Uncertain significance. Last evaluated: 2022-08-16. Review status: criteria provided, single submitter. Criteria: Invitae Variant Classification Sherloc (09022015). Collection method: clinical testing. Allele origin: germline.
Comment: This sequence change replaces arginine, which is basic and polar, with cysteine, which is neutral and slightly polar, at codon 75 of the RDH5 protein (p.Arg75Cys). This variant is present in population databases (rs144321355, gnomAD 0.004%). This variant has not been reported in the literature in individuals affected with RDH5-related conditions. Algorithms developed to predict the effect of missense changes on protein structure and function are either unavailable or do not agree on the potential impact of this missense change (SIFT: "Deleterious"; PolyPhen-2: "Possibly Damaging"; Align-GVGD: "Class C0"). In summary, the available evidence is currently insufficient to determine the role of this variant in disease. Therefore, it has been classified as a Variant of Uncertain Significance.

NM_002905.5(RDH5):c.223C>T (p.Arg75Cys)

Genes: BLOC1S1-RDH5 (BLOC1S1-RDH5 readthrough; plus strand), RDH5 (retinol dehydrogenase 5; plus strand). Cytogenetic location: 12q13.2.
Variant type: single nucleotide variant.
Coding change: c.223C>T on transcript NM_002905.5 (MANE Select); coding-DNA position 223, C replaced by T.
Protein change: p.Arg75Cys; replaces arginine 75 with cysteine.
Molecular consequence: missense variant.
Genome position (GRCh38, 1-based): chr12:55,721,407, C>T. VCF-style: chr12-55721407-C-T. GRCh37 (hg19) VCF-style: chr12-56115191-C-T.
Other names: c.223C>T, p.Arg75Cys (NM_001199771.3); short protein forms R75C.
Identifiers: ClinVar variation 2142889 (VCV002142889.2), dbSNP rs144321355, ClinGen allele CA6616773.
Genomic context (GRCh38, chr12:55,721,407, plus strand): 5'-GTCCTGGCCAGCTGCCTGACCCCCTCCGGGGCCGAGGACCTGCAGCGGGTGGCCTCCTCC[C>T]GCCTCCACACCACCCTGTTGGATATCACTGATCCCCAGAGCGTCCAGCAGGCAGCCAAGT-3'
Protein context (NP_002896.2, residues 65-85): AEDLQRVASS[Arg75Cys]LHTTLLDITD